The following is an entry in ClinVar:

ClinVar aggregate classification (germline): Uncertain significance (1 of 4 stars; one submission).

Allele frequency attached by ClinVar (database versions not stated): gnomAD exomes below 0.00001; gnomAD 0.00001.
gnomAD v4.1: 3 of 1,613,552 alleles (0.00019%); highest among the groups gnomAD compares: Middle Eastern, 0.017%; no homozygotes.

Submission:

Labcorp Genetics (formerly Invitae), Labcorp
Classification: Uncertain significance. Last evaluated: 2021-04-04. Review status: criteria provided, single submitter. Criteria: Invitae Variant Classification Sherloc (09022015). Collection method: clinical testing. Allele origin: germline.
Comment: In summary, the available evidence is currently insufficient to determine the role of this variant in disease. Therefore, it has been classified as a Variant of Uncertain Significance. This sequence change falls in intron 18 of the MME gene. It does not directly change the encoded amino acid sequence of the MME protein. It affects a nucleotide within the consensus splice site of the intron. This variant is not present in population databases (ExAC no frequency). This variant has not been reported in the literature in individuals with MME-related conditions. Nucleotide substitutions within the consensus splice site are a relatively common cause of aberrant splicing (PMID: 17576681, 9536098). Algorithms developed to predict the effect of sequence changes on RNA splicing suggest that this variant may disrupt the consensus splice site, but this prediction has not been confirmed by published transcriptional studies.

Literature cited by the submitters: PubMed 17576681; PubMed 9536098.

NM_007289.4(MME):c.1780+3A>G

Gene: MME (membrane metalloendopeptidase; plus strand). Cytogenetic location: 3q25.2.
Variant type: single nucleotide variant.
Coding change: c.1780+3A>G on transcript NM_007289.4 (MANE Select); 3 bases into the intron after coding-DNA position 1780, A replaced by G.
Molecular consequence: intron variant.
Genome position (GRCh38, 1-based): chr3:155,167,024, A>G. VCF-style: chr3-155167024-A-G. GRCh37 (hg19) VCF-style: chr3-154884813-A-G.
Other names: c.1780+3A>G (NM_001354642.2, NM_000902.5, NM_007287.4 and 2 more transcripts).
Identifiers: ClinVar variation 1481273 (VCV001481273.6), dbSNP rs1299522334, ClinGen allele CA547310099.